The following is an entry in ClinVar:

ClinVar aggregate classification (germline): Conflicting classifications of pathogenicity. Review status: criteria provided, conflicting classifications (1 of 4 stars). 2 submissions from 2 submitters: Uncertain significance (1); Likely benign (1). Last evaluated 2024-11-24.

Conditions:
Inborn genetic diseases. Identifiers: MedGen C0950123, MeSH D030342.

Allele frequency attached by ClinVar (database versions not stated): gnomAD exomes 0.00001; ExAC 0.00005; TOPMed 0.00014; ESP Exome Variant Server 0.00031.
gnomAD v4.1: 33 of 1,611,030 alleles (0.002%); highest among the groups gnomAD compares: African/African-American, 0.037%; no homozygotes.

Submissions (2):

Ambry Genetics
Classification: Likely benign for Inborn genetic diseases. Last evaluated: 2024-11-24. Review status: criteria provided, single submitter. Criteria: Ambry Variant Classification Scheme 2023. Collection method: clinical testing. Allele origin: germline.

Labcorp Genetics (formerly Invitae), Labcorp
Classification: Uncertain significance. Last evaluated: 2022-08-22. Review status: criteria provided, single submitter. Criteria: Invitae Variant Classification Sherloc (09022015). Collection method: clinical testing. Allele origin: germline.
Comment: In summary, the available evidence is currently insufficient to determine the role of this variant in disease. Therefore, it has been classified as a Variant of Uncertain Significance. Algorithms developed to predict the effect of missense changes on protein structure and function are either unavailable or do not agree on the potential impact of this missense change (SIFT: "Deleterious"; PolyPhen-2: "Probably Damaging"; Align-GVGD: "Class C0"). This variant has not been reported in the literature in individuals affected with KMT2C-related conditions. This variant is present in population databases (rs141226447, gnomAD 0.05%). This sequence change replaces arginine, which is basic and polar, with threonine, which is neutral and polar, at codon 1095 of the KMT2C protein (p.Arg1095Thr).

NM_170606.3(KMT2C):c.3284G>C (p.Arg1095Thr)

Gene: KMT2C (lysine methyltransferase 2C; minus strand). Cytogenetic location: 7q36.1.
Variant type: single nucleotide variant.
Coding change: c.3284G>C on transcript NM_170606.3 (MANE Select); coding-DNA position 3284, G replaced by C.
Protein change: p.Arg1095Thr; replaces arginine 1095 with threonine.
Molecular consequence: missense variant.
Genome position (GRCh38, 1-based): chr7:152,224,054, C>G on the plus strand (G>C on the coding strand, the complement: KMT2C is on the minus strand). VCF-style: chr7-152224054-C-G. GRCh37 (hg19) VCF-style: chr7-151921139-C-G.
Other names: c.3284G>C (NM_170606.2); short protein forms R1095T.
Identifiers: ClinVar variation 1989476 (VCV001989476.5), dbSNP rs141226447, ClinGen allele CA4580882.